The following is an entry in ClinVar:

ClinVar aggregate classification (germline): Uncertain significance (1 of 4 stars; one submission).

Conditions:
LRRC45-related disorder. Also called: LRRC45-related condition.

gnomAD v4.1: 2 of 1,612,472 alleles (0.00012%); highest among the groups gnomAD compares: Admixed American, 0.0033%; no homozygotes.

Submission:

PreventionGenetics, part of Exact Sciences
Classification: Uncertain significance for LRRC45-related condition. Last evaluated: 2026-07-08. Review status: criteria provided, single submitter. Criteria: ACMG Guidelines, 2015. Collection method: clinical testing. Allele origin: germline.
Comment: The LRRC45 c.247T>C variant is predicted to result in the amino acid substitution p.Cys83Arg. To our knowledge, this variant has not been reported in the literature. This variant is reported in 0.0029% of alleles in individuals of Latino descent in gnomAD. At this time, the clinical significance of this variant is uncertain due to the absence of conclusive functional and genetic evidence.

NM_144999.4(LRRC45):c.247T>C (p.Cys83Arg)

Gene: LRRC45 (leucine rich repeat containing 45; plus strand). Cytogenetic location: 17q25.3.
Variant type: single nucleotide variant.
Coding change: c.247T>C on transcript NM_144999.4 (MANE Select); coding-DNA position 247, T replaced by C.
Protein change: p.Cys83Arg; replaces cysteine 83 with arginine.
Molecular consequence: missense variant.
Genome position (GRCh38, 1-based): chr17:82,024,304, T>C. VCF-style: chr17-82024304-T-C. GRCh37 (hg19) VCF-style: chr17-79982180-T-C.
Other names: short protein forms C83R.
Identifiers: ClinVar variation 4995138 (VCV004995138.1).
Genomic context (GRCh38, chr17:82,024,304, plus strand): 5'-GGGCAGAGAGTGACCGCCGGCCCCCCTTACACAGGGGCCACACTGCTGCTCCGAGGCCTG[T>C]GTGCCAACACCGTGCTGCGCTTTCTGGACTTAAAGGTGAGATACCTGCACTCTTGAGTGT-3'
Protein context (NP_659436.1, residues 73-93): EGATLLLRGL[Cys83Arg]ANTVLRFLDL